The following is an entry in ClinVar:

ClinVar aggregate classification (germline): Likely benign. Review status: criteria provided, multiple submitters, no conflicts (2 of 4 stars). 4 submissions from 4 submitters: Likely benign (3). 1 of the submissions does not count toward it. Last evaluated 2020-02-25.

Conditions:
Wilson disease (WND). Also called: Wilson's disease. Identifiers: Orphanet 905, MedGen C0019202, MONDO:0010200, OMIM 277900. Disease mechanism: loss of function.

Allele frequency attached by ClinVar (database versions not stated): gnomAD 0.00586 and 0.00634; 1000 Genomes Project 0.00639; TOPMed 0.00644; ESP Exome Variant Server 0.00701; 1000 Genomes Project 30x 0.00718.

Submissions (4):

ARUP Laboratories, Molecular Genetics and Genomics, ARUP Laboratories
Classification: Likely benign for Wilson disease. Last evaluated: 2020-02-25. Review status: criteria provided, single submitter. Criteria: ARUP Molecular Germline Variant Investigation Process. Collection method: clinical testing. Allele origin: germline.

Illumina Laboratory Services, Illumina
Classification: Likely benign for Wilson disease. Last evaluated: 2018-01-13. Review status: criteria provided, single submitter. Criteria: ICSL Variant Classification Criteria 13 December 2019. Collection method: clinical testing. Allele origin: germline.
Comment: This variant was observed in the ICSL laboratory as part of a predisposition screen in an ostensibly healthy population. It had not been previously curated by ICSL or reported in the Human Gene Mutation Database (HGMD: prior to June 1st, 2018), and was therefore a candidate for classification through an automated scoring system. Utilizing variant allele frequency, disease prevalence and penetrance estimates, and inheritance mode, an automated score was calculated to assess if this variant is too frequent to cause the disease. Based on the score and internal cut-off values, a variant classified as likely benign is not then subjected to further curation. The score for this variant resulted in a classification of likely benign for this disease.

Breakthrough Genomics
Classification: Likely benign. Review status: criteria provided, single submitter. Criteria: ACMG Guidelines, 2015. Collection method: not provided. Allele origin: germline. Inheritance: Autosomal recessive inheritance. Affected: yes.

Natera, Inc.
Classification: Benign for Wilson disease. Last evaluated: 2019-11-11. Review status: no assertion criteria provided. Collection method: clinical testing. Allele origin: germline. Not counted in ClinVar's aggregate classification.

NM_000053.4(ATP7B):c.-54G>T

Gene: ATP7B (ATPase copper transporting beta; minus strand). Cytogenetic location: 13q14.3.
Variant type: single nucleotide variant.
Coding change: c.-54G>T on transcript NM_000053.4 (MANE Select); 54 bases upstream of the start codon, G replaced by T.
Molecular consequence: 5 prime UTR variant.
Genome position (GRCh38, 1-based): chr13:52,011,391, C>A on the plus strand (G>T on the coding strand, the complement: ATP7B is on the minus strand). VCF-style: chr13-52011391-C-A. GRCh37 (hg19) VCF-style: chr13-52585527-C-A.
Other names: c.-54G>T (NM_001005918.3, NM_001243182.2, NM_001330578.2 and 1 more transcripts).
Identifiers: ClinVar variation 312402 (VCV000312402.17), dbSNP rs115564351, ClinGen allele CA10639710.